The following is an entry in ClinVar:

ClinVar aggregate classification (germline): Conflicting classifications of pathogenicity. Review status: criteria provided, conflicting classifications (1 of 4 stars). 4 submissions from 4 submitters: Uncertain significance (3); Likely benign (1). Last evaluated 2025-07-24.

Conditions:
Menkes kinky-hair syndrome (MNK). Also called: Menkes Disease; Classic Menkes Disease; Copper transport disease. Identifiers: Orphanet 565, MedGen C0022716, MONDO:0010651, OMIM 309400.
X-linked distal spinal muscular atrophy type 3. Also called: NEURONOPATHY, DISTAL HEREDITARY MOTOR, X-LINKED; NEUROPATHY, DISTAL HEREDITARY MOTOR, X-LINKED; ATP7A-Related Distal Motor Neuropathy; SPINAL MUSCULAR ATROPHY, DISTAL, X-LINKED RECESSIVE. Identifiers: Orphanet 139557, MedGen C1845359, MONDO:0010338, OMIM 300489.
Cutis laxa, X-linked (OHS). Also called: EDS IX; Occipital horn syndrome. Identifiers: Orphanet 198, MedGen C0268353, MONDO:0010572, OMIM 304150.
Inborn genetic diseases. Identifiers: MedGen C0950123, MeSH D030342.

Allele frequency attached by ClinVar (database versions not stated): gnomAD exomes below 0.00001 and 0.00001; TOPMed below 0.00001; ExAC 0.00001.
gnomAD v4.1: 4 of 1,211,645 alleles (0.00033%); highest among the groups gnomAD compares: Non-Finnish European, 0.00034%; no homozygotes.

Submissions (4):

Dasa
Classification: Uncertain significance. Last evaluated: 2025-07-24. Review status: criteria provided, single submitter. Criteria: DASA Assertion Criteria. Collection method: clinical testing. Allele origin: germline.
Comment: NM_000052.7(ATP7A):c.368G>A (p.Arg123Lys) is a missense variant that results in the substitution of arginine with lysine. This variant is rare in population databases. Computational prediction algorithms are consistent with a benign effect. The currently available literature and clinical evidence are not sufficient to establish a definitive association between this variant and the reported condition. Therefore, this variant is classified as a variant of uncertain significance.

Labcorp Genetics (formerly Invitae), Labcorp
Classification: Likely benign for X-linked distal spinal muscular atrophy type 3; Cutis laxa, X-linked; Menkes kinky-hair syndrome. Last evaluated: 2025-03-19. Review status: criteria provided, single submitter. Criteria: Invitae Variant Classification Sherloc (09022015). Collection method: clinical testing. Allele origin: germline.

Fulgent Genetics
Classification: Uncertain significance for X-linked distal spinal muscular atrophy type 3; Cutis laxa, X-linked; Menkes kinky-hair syndrome. Last evaluated: 2021-10-21. Review status: criteria provided, single submitter. Criteria: ACMG Guidelines, 2015. Collection method: clinical testing. Allele origin: unknown.

Ambry Genetics
Classification: Uncertain significance for Inborn genetic diseases. Last evaluated: 2020-01-22. Review status: criteria provided, single submitter. Criteria: Ambry Variant Classification Scheme 2023. Collection method: clinical testing. Allele origin: germline.
Comment: The p.R123K variant (also known as c.368G>A), located in coding exon 2 of the ATP7A gene, results from a G to A substitution at nucleotide position 368. The arginine at codon 123 is replaced by lysine, an amino acid with highly similar properties. This amino acid position is well conserved in available vertebrate species. In addition, this alteration is predicted to be tolerated by in silico analysis. Since supporting evidence is limited at this time, the clinical significance of this alteration remains unclear.

NM_000052.7(ATP7A):c.368G>A (p.Arg123Lys)

Gene: ATP7A (ATPase copper transporting alpha; plus strand). Cytogenetic location: Xq21.1.
Variant type: single nucleotide variant.
Coding change: c.368G>A on transcript NM_000052.7 (MANE Select); coding-DNA position 368, G replaced by A.
Protein change: p.Arg123Lys; replaces arginine 123 with lysine.
Molecular consequence: missense variant.
Genome position (GRCh38, 1-based): chrX:77,988,489, G>A. VCF-style: chrX-77988489-G-A. GRCh37 (hg19) VCF-style: chrX-77243985-G-A.
Other names: c.368G>A, p.Arg123Lys (NM_001282224.2); short protein forms R123K.
Identifiers: ClinVar variation 648905 (VCV000648905.11), dbSNP rs782664232, ClinGen allele CA10458911.